The following is an entry in ClinVar:

ClinVar aggregate classification (germline): Uncertain significance (1 of 4 stars; one submission).

gnomAD v4.1: 45 of 1,609,820 alleles (0.0028%); highest among the groups gnomAD compares: Middle Eastern, 0.016%; no homozygotes.

Submission:

Mayo Clinic Laboratories, Mayo Clinic
Classification: Uncertain significance. Last evaluated: 2023-09-19. Review status: criteria provided, single submitter. Criteria: ACMG Guidelines, 2015. Collection method: clinical testing. Allele origin: germline. Observed: 1 variant allele.
Comment: PP3, PM2_moderate

NM_000637.5(GSR):c.1346C>T (p.Pro449Leu)

Gene: GSR (glutathione-disulfide reductase; minus strand). Cytogenetic location: 8p12.
Variant type: single nucleotide variant.
Coding change: c.1346C>T on transcript NM_000637.5 (MANE Select); coding-DNA position 1346, C replaced by T.
Protein change: p.Pro449Leu; replaces proline 449 with leucine.
Molecular consequence: missense variant.
Genome position (GRCh38, 1-based): chr8:30,680,977, G>A on the plus strand (C>T on the coding strand, the complement: GSR is on the minus strand). VCF-style: chr8-30680977-G-A. GRCh37 (hg19) VCF-style: chr8-30538494-G-A.
Other names: p.Pro449Leu; c.1259C>T, p.Pro420Leu (NM_001195102.3); c.1187C>T, p.Pro396Leu (NM_001195103.3); c.1100C>T, p.Pro367Leu (NM_001195104.3); short protein forms P367L, P396L, P420L, P449L.
Identifiers: ClinVar variation 3379808 (VCV003379808.1).